The following is an entry in ClinVar:

NM_000179.3(MSH6):c.586T>C (p.Cys196Arg)

Gene: MSH6 (mutS homolog 6; plus strand). Cytogenetic location: 2p16.3.
Variant type: single nucleotide variant.
Coding change: c.586T>C on transcript NM_000179.3 (MANE Select); coding-DNA position 586, T replaced by C.
Protein change: p.Cys196Arg; replaces cysteine 196 with arginine.
Molecular consequence: missense variant. On other transcripts: 5 prime UTR variant (2), non-coding transcript variant (5), intron variant (8).
Genome position (GRCh38, 1-based): chr2:47,796,022, T>C. VCF-style: chr2-47796022-T-C. GRCh37 (hg19) VCF-style: chr2-48023161-T-C.
Other names: c.-317T>C (NM_001281494.2); c.682T>C, p.Cys228Arg (NM_001406795.1, NM_001406802.1); c.586T>C, p.Cys196Arg (NM_001406796.1, NM_001406798.1, NM_001406800.1 and 5 more transcripts); c.289T>C, p.Cys97Arg (NM_001406797.1, NM_001406801.1, NM_001406805.1 and 10 more transcripts); c.61T>C, p.Cys21Arg (NM_001406799.1, NM_001406806.1, NM_001406807.1); c.508T>C, p.Cys170Arg (NM_001406804.1); c.592T>C, p.Cys198Arg (NM_001406813.1); c.-409T>C (NM_001406814.1); and 3 more; short protein forms C21R, C228R, C198R, C196R, C97R, C140R, C170R.
Identifiers: ClinVar variation 5024926 (VCV005024926.1).

ClinVar aggregate classification (germline): Uncertain significance (1 of 4 stars; one submission).

Conditions:
Hereditary cancer-predisposing syndrome. Also called: Neoplastic Syndromes, Hereditary; Tumor predisposition; Hereditary neoplastic syndrome; Hereditary Cancer Syndrome. Identifiers: Orphanet 140162, MedGen C0027672, MeSH D009386, MONDO:0015356.

Submission:

Ambry Genetics
Classification: Uncertain significance for Hereditary cancer-predisposing syndrome. Last evaluated: 2026-08-08. Review status: criteria provided, single submitter. Criteria: Ambry Variant Classification Scheme 2023. Collection method: clinical testing. Allele origin: germline.
Comment: The p.C196R variant (also known as c.586T>C), located in coding exon 3 of the MSH6 gene, results from a T to C substitution at nucleotide position 586. The cysteine at codon 196 is replaced by arginine, an amino acid with highly dissimilar properties. This amino acid position is conserved. In addition, this alteration is predicted to be deleterious by in silico analysis. Based on the available evidence, the clinical significance of this variant remains unclear.